The following is an entry in ClinVar:

NM_205861.3(DHDDS):c.644del (p.Phe215fs)

Gene: DHDDS (dehydrodolichyl diphosphate synthase subunit; plus strand). Cytogenetic location: 1p36.11.
Variant type: Deletion.
Coding change: c.644del on transcript NM_205861.3 (MANE Select); coding-DNA position 644, one base deleted (T; older notation c.644delT).
Protein change: p.Phe215fs; shifts the reading frame from phenylalanine 215.
Molecular consequence: frameshift variant.
Genome position (GRCh38, 1-based): chr1:26,457,892, T deleted; the last of 2 consecutive T bases (chr1:26,457,891-26,457,892); deleting either gives the same sequence. VCF-style (leftmost placement, unchanged base first): chr1-26457890-CT-C. GRCh37 (hg19) VCF-style: chr1-26784381-CT-C.
Other names: c.542del, p.Phe181fs (NM_001243564.2); c.527del, p.Phe176fs (NM_001243565.2); c.365del, p.Phe122fs (NM_001319959.2); c.644del, p.Phe215fs (NM_024887.4); short protein forms F122fs, F176fs, F181fs, F215fs.
Identifiers: ClinVar variation 1722460 (VCV001722460.1), dbSNP rs2524687283, ClinGen allele CA2580062622.
Genomic context (GRCh38, chr1:26,457,890, plus strand): 5'-CAACCGCTCTCCTCATCCTGACATCTTGATACGGACTTCTGGAGAAGTGCGGCTGAGTGA[CT>C]TCTTGCTATGGCAGGTAGGTCATTTCCAAGTACTATTATGTTTGTGTCATGGGGAAACCA-3'

ClinVar aggregate classification (germline): Likely pathogenic (1 of 4 stars; one submission).

Conditions:
Retinitis pigmentosa 59 (RP59). Identifiers: Orphanet 791, MedGen C3151227, MONDO:0013468, OMIM 613861.

Submission:

Women's Health and Genetics/Laboratory Corporation of America, LabCorp
Classification: Likely pathogenic for Retinitis pigmentosa 59. Last evaluated: 2022-09-27. Review status: criteria provided, single submitter. Criteria: LabCorp Variant Classification Summary - May 2015. Collection method: clinical testing. Allele origin: germline.
Comment: Variant summary: DHDDS c.644delT (p.Phe215SerfsX35) results in a premature termination codon, predicted to cause a truncation of the encoded protein or absence of the protein due to nonsense mediated decay, which are commonly known mechanisms for disease. Truncations downstream of this position have been classified as pathogenic by our laboratory. The variant was absent in 251444 control chromosomes. To our knowledge, no occurrence of c.644delT in individuals affected with Retinitis Pigmentosa 59 and no experimental evidence demonstrating its impact on protein function have been reported. No clinical diagnostic laboratories have submitted clinical-significance assessments for this variant to ClinVar after 2014. Based on the evidence outlined above, the variant was classified as likely pathogenic.